The following is an entry in ClinVar:

ClinVar aggregate classification (germline): Uncertain significance. Review status: criteria provided, multiple submitters, no conflicts (2 of 4 stars). 3 submissions from 3 submitters: Uncertain significance (3). Last evaluated 2025-11-01.

Allele frequency attached by ClinVar (database versions not stated): gnomAD exomes below 0.00001.
gnomAD v4.1: 4 of 1,614,074 alleles (0.00025%); highest among the groups gnomAD compares: Non-Finnish European, 0.00034%; no homozygotes.

Submissions (3):

CeGaT Center for Human Genetics Tuebingen
Classification: Uncertain significance. Last evaluated: 2025-11-01. Review status: criteria provided, single submitter. Criteria: CeGaT Center For Human Genetics Tuebingen Variant Classification Criteria Version 2. Collection method: clinical testing. Allele origin: germline. Affected: yes. Observed: 2 variant alleles.
Comment: MTOR: PM2

Labcorp Genetics (formerly Invitae), Labcorp
Classification: Uncertain significance. Last evaluated: 2025-05-07. Review status: criteria provided, single submitter. Criteria: Invitae Variant Classification Sherloc (09022015). Collection method: clinical testing. Allele origin: germline.
Comment: This sequence change replaces glutamic acid, which is acidic and polar, with glycine, which is neutral and non-polar, at codon 919 of the MTOR protein (p.Glu919Gly). This variant is present in population databases (no rsID available, gnomAD 0.0009%). This variant has not been reported in the literature in individuals affected with MTOR-related conditions. ClinVar contains an entry for this variant (Variation ID: 1430764). Invitae Evidence Modeling of protein sequence and biophysical properties (such as structural, functional, and spatial information, amino acid conservation, physicochemical variation, residue mobility, and thermodynamic stability) indicates that this missense variant is not expected to disrupt MTOR protein function with a negative predictive value of 95%. In summary, the available evidence is currently insufficient to determine the role of this variant in disease. Therefore, it has been classified as a Variant of Uncertain Significance.

Blueprint Genetics
Classification: Uncertain significance. Last evaluated: 2024-06-26. Review status: criteria provided, single submitter. Criteria: ACMG Guidelines, 2015. Collection method: clinical testing. Allele origin: germline.

NM_004958.4(MTOR):c.2756A>G (p.Glu919Gly)

Gene: MTOR (mechanistic target of rapamycin kinase; minus strand). Cytogenetic location: 1p36.22.
Variant type: single nucleotide variant.
Coding change: c.2756A>G on transcript NM_004958.4 (MANE Select); coding-DNA position 2756, A replaced by G.
Protein change: p.Glu919Gly; replaces glutamic acid 919 with glycine.
Molecular consequence: missense variant.
Genome position (GRCh38, 1-based): chr1:11,230,948, T>C on the plus strand (A>G on the coding strand, the complement: MTOR is on the minus strand). VCF-style: chr1-11230948-T-C. GRCh37 (hg19) VCF-style: chr1-11291005-T-C.
Other names: c.2756A>G, p.Glu919Gly (NM_001386500.1); c.1508A>G, p.Glu503Gly (NM_001386501.1); short protein forms E503G, E919G.
Identifiers: ClinVar variation 1430764 (VCV001430764.27), dbSNP rs1300581743, ClinGen allele CA338380714.